The following is an entry in ClinVar:

ClinVar aggregate classification (germline): Uncertain significance (1 of 4 stars; one submission).

Allele frequency attached by ClinVar (database versions not stated): TOPMed below 0.00001; ExAC 0.00001; gnomAD 0.00001.
gnomAD v4.1: 3 of 1,614,152 alleles (0.00019%); highest among the groups gnomAD compares: Admixed American, 0.005%; no homozygotes.

Submission:

Labcorp Genetics (formerly Invitae), Labcorp
Classification: Uncertain significance. Last evaluated: 2022-06-28. Review status: criteria provided, single submitter. Criteria: Invitae Variant Classification Sherloc (09022015). Collection method: clinical testing. Allele origin: germline.
Comment: This sequence change replaces aspartic acid, which is acidic and polar, with glutamic acid, which is acidic and polar, at codon 734 of the MYLK3 protein (p.Asp734Glu). This variant is present in population databases (rs753941961, gnomAD 0.006%). This variant has not been reported in the literature in individuals affected with MYLK3-related conditions. Algorithms developed to predict the effect of missense changes on protein structure and function output the following: SIFT: "Tolerated"; PolyPhen-2: "Benign"; Align-GVGD: "Class C0". The glutamic acid amino acid residue is found in multiple mammalian species, which suggests that this missense change does not adversely affect protein function. In summary, the available evidence is currently insufficient to determine the role of this variant in disease. Therefore, it has been classified as a Variant of Uncertain Significance.

NM_182493.3(MYLK3):c.2202C>A (p.Asp734Glu)

Gene: MYLK3 (myosin light chain kinase 3; minus strand). Cytogenetic location: 16q11.2.
Variant type: single nucleotide variant.
Coding change: c.2202C>A on transcript NM_182493.3 (MANE Select); coding-DNA position 2202, C replaced by A.
Protein change: p.Asp734Glu; replaces aspartic acid 734 with glutamic acid.
Molecular consequence: missense variant.
Genome position (GRCh38, 1-based): chr16:46,710,702, G>T on the plus strand (C>A on the coding strand, the complement: MYLK3 is on the minus strand). VCF-style: chr16-46710702-G-T. GRCh37 (hg19) VCF-style: chr16-46744614-G-T.
Other names: c.1179C>A, p.Asp393Glu (NM_001308301.1); short protein forms D734E, D393E.
Identifiers: ClinVar variation 1932713 (VCV001932713.5), dbSNP rs753941961, ClinGen allele CA8037655.